The following is an entry in ClinVar:

ClinVar aggregate classification (germline): Uncertain significance (1 of 4 stars; one submission).

Conditions:
UCP3-related disorder. Also called: UCP3-related condition.

Submission:

PreventionGenetics, part of Exact Sciences
Classification: Uncertain significance for UCP3-related condition. Last evaluated: 2025-04-28. Review status: criteria provided, single submitter. Criteria: ACMG Guidelines, 2015. Collection method: clinical testing. Allele origin: germline.
Comment: The UCP3 c.227G>A variant is predicted to result in the amino acid substitution p.Ser76Asn. To our knowledge, this variant has not been reported in the literature. This variant is reported in 0.0055% of alleles in individuals of East Asian descent in gnomAD. At this time, the clinical significance of this variant is uncertain due to the absence of conclusive functional and genetic evidence.

NM_003356.4(UCP3):c.227G>A (p.Ser76Asn)

Gene: UCP3 (uncoupling protein 3; minus strand). Cytogenetic location: 11q13.4.
Variant type: single nucleotide variant.
Coding change: c.227G>A on transcript NM_003356.4 (MANE Select); coding-DNA position 227, G replaced by A.
Protein change: p.Ser76Asn; replaces serine 76 with asparagine.
Molecular consequence: missense variant.
Genome position (GRCh38, 1-based): chr11:74,006,279, C>T on the plus strand (G>A on the coding strand, the complement: UCP3 is on the minus strand). VCF-style: chr11-74006279-C-T. GRCh37 (hg19) VCF-style: chr11-73717324-C-T.
Other names: c.227G>A, p.Ser76Asn (NM_022803.3); short protein forms S76N.
Identifiers: ClinVar variation 4984157 (VCV004984157.1).
Genomic context (GRCh38, chr11:74,006,279, plus strand): 5'-ATGCGGATGGAGGCGAAGCTCATCTGGCGCTGCAGGCCGGCCACCAGCCCATTGTAGGGG[C>T]TGCAGGGACCCTCAGTCCGCACCATGGTCAGGATGGTGCCCAGCACGCCACGGTACTGCA-3'
Protein context (NP_003347.1, residues 66-86): LTMVRTEGPC[Ser76Asn]PYNGLVAGLQ